The following is an entry in ClinVar:

NM_174878.3(CLRN1):c.278dup (p.Val95fs)

Gene: CLRN1 (clarin 1; minus strand). Cytogenetic location: 3q25.1.
Variant type: Duplication.
Coding change: c.278dup on transcript NM_174878.3 (MANE Select); coding-DNA position 278, one base duplicated (T; older notation c.278dupT).
Protein change: p.Val95fs; shifts the reading frame from valine 95.
Molecular consequence: frameshift variant. On other transcripts: non-coding transcript variant (1).
Genome position (GRCh38, 1-based): chr3:150,941,737, A duplicated on the plus strand (T on the coding strand, the reverse complement: CLRN1 is on the minus strand). VCF-style (leftmost placement, unchanged base first): chr3-150941736-G-GA. GRCh37 (hg19) VCF-style: chr3-150659523-G-GA.
Other names: c.278dup, p.Val95fs (NM_001195794.1); c.450dup, p.Pro151fs (NM_001256819.2); c.50dup, p.Val19fs (NM_052995.2); short protein forms V19fs, V95fs, P151fs.
Identifiers: ClinVar variation 954671 (VCV000954671.10), dbSNP rs1713859321, ClinGen allele CA1139658294.

ClinVar aggregate classification (germline): Pathogenic/Likely pathogenic. Review status: criteria provided, multiple submitters, no conflicts (2 of 4 stars). 2 submissions from 2 submitters: Pathogenic (1); Likely pathogenic (1). Last evaluated 2024-10-23.

Conditions:
CLRN1-related disorder. Also called: CLRN1-related condition.

Submissions (2):

Blueprint Genetics
Classification: Likely pathogenic for CLRN1-related disorders. Last evaluated: 2024-10-23. Review status: criteria provided, single submitter. Criteria: ACMG Guidelines, 2015. Collection method: clinical testing. Allele origin: germline. Affected: yes. Observed: 1 variant allele.

Labcorp Genetics (formerly Invitae), Labcorp
Classification: Pathogenic. Last evaluated: 2019-11-13. Review status: criteria provided, single submitter. Criteria: Invitae Variant Classification Sherloc (09022015). Collection method: clinical testing. Allele origin: germline.
Comment: For these reasons, this variant has been classified as Pathogenic. This variant disrupts the C-terminus of the CLRN1 protein. Other variant(s) that disrupt this region (p.Tyr176*) have been determined to be pathogenic (PMID: 11524702, 12145752, 22681893, 23304067, 29490346). This suggests that variants that disrupt this region of the protein are likely to be causative of disease. This variant has not been reported in the literature in individuals with CLRN1-related conditions. This variant is not present in population databases (ExAC no frequency). This sequence change results in a premature translational stop signal in the CLRN1 gene (p.Val95Serfs*35). While this is not anticipated to result in nonsense mediated decay, it is expected to disrupt the last 138 amino acids of the CLRN1 protein.

Literature cited by the submitters: PubMed 11524702 (cited by Labcorp Genetics (formerly Invitae), Labcorp); PubMed 12145752 (cited by Labcorp Genetics (formerly Invitae), Labcorp); PubMed 22681893 (cited by Labcorp Genetics (formerly Invitae), Labcorp); PubMed 23304067 (cited by Labcorp Genetics (formerly Invitae), Labcorp); PubMed 29490346 (cited by Labcorp Genetics (formerly Invitae), Labcorp).